The following is an entry in ClinVar:

NM_004380.3(CREBBP):c.6564G>A (p.Gln2188=)

Gene: CREBBP (CREB binding lysine acetyltransferase; minus strand). Cytogenetic location: 16p13.3.
Variant type: single nucleotide variant.
Coding change: c.6564G>A on transcript NM_004380.3 (MANE Select); coding-DNA position 6564, G replaced by A.
Protein change: p.Gln2188=; no amino-acid change (glutamine 2188 retained).
Molecular consequence: synonymous variant.
Genome position (GRCh38, 1-based): chr16:3,728,483, C>T on the plus strand (G>A on the coding strand, the complement: CREBBP is on the minus strand). VCF-style: chr16-3728483-C-T. GRCh37 (hg19) VCF-style: chr16-3778484-C-T.
Other names: c.6450G>A, p.Gln2150= (NM_001079846.1).
Identifiers: ClinVar variation 95061 (VCV000095061.47), dbSNP rs73491896, ClinGen allele CA148138.

ClinVar aggregate classification (germline): Benign/Likely benign. Review status: criteria provided, multiple submitters, no conflicts (2 of 4 stars). 7 submissions from 7 submitters: Benign (3); Likely benign (4). Last evaluated 2025-12-06.

Conditions:
Rubinstein-Taybi syndrome (RSTS). Identifiers: Orphanet 783, MedGen C0035934, MONDO:0019188.
Inborn genetic diseases. Identifiers: MedGen C0950123, MeSH D030342.
Rubinstein-Taybi syndrome due to CREBBP mutations (RSTS1). Also called: RUBINSTEIN SYNDROME; Rubinstein-Taybi syndrome 1; RUBINSTEIN-TAYBI SYNDROME 1, INCOMPLETE; BROAD THUMB-HALLUX SYNDROME; CREBBP-Related Rubinstein-Taybi Syndrome; BROAD THUMBS AND GREAT TOES, CHARACTERISTIC FACIES, AND IMPAIRED INTELLECTUAL DEVELOPMENT. Identifiers: Orphanet 353277, Orphanet 783, MedGen C4551859, MONDO:0008393, OMIM 180849.
Menke-Hennekam syndrome 1 (MKHK1). Identifiers: MedGen C5193034, MONDO:0020763, OMIM 618332.

Allele frequency attached by ClinVar (database versions not stated): gnomAD exomes 0.00018 and 0.00040; ExAC 0.00050; 1000 Genomes Project 0.00140; TOPMed 0.00196; gnomAD 0.00200 and 0.00217; 1000 Genomes Project 30x 0.00203; ESP Exome Variant Server 0.00246.
gnomAD v4.1: 567 of 1,614,018 alleles (0.035%); highest among the groups gnomAD compares: African/African-American, 0.67%; no homozygotes.

Submissions (7):

Labcorp Genetics (formerly Invitae), Labcorp
Classification: Benign for Rubinstein-Taybi syndrome. Last evaluated: 2025-12-06. Review status: criteria provided, single submitter. Criteria: Invitae Variant Classification Sherloc (09022015). Collection method: clinical testing. Allele origin: germline.

CeGaT Center for Human Genetics Tuebingen
Classification: Likely benign. Last evaluated: 2024-11-01. Review status: criteria provided, single submitter. Criteria: CeGaT Center For Human Genetics Tuebingen Variant Classification Criteria Version 2. Collection method: clinical testing. Allele origin: germline. Affected: yes. Observed: 5 variant alleles.
Comment: CREBBP: BP4, BP7, BS1

Blueprint Genetics
Classification: Likely benign. Last evaluated: 2024-10-17. Review status: criteria provided, single submitter. Criteria: ACMG Guidelines, 2015. Collection method: clinical testing. Allele origin: germline.

Fulgent Genetics
Classification: Likely benign for Rubinstein-Taybi syndrome due to CREBBP mutations; Menke-Hennekam syndrome 1. Last evaluated: 2021-12-05. Review status: criteria provided, single submitter. Criteria: ACMG Guidelines, 2015. Collection method: clinical testing. Allele origin: unknown.

GeneDx
Classification: Benign. Last evaluated: 2020-02-03. Review status: criteria provided, single submitter. Criteria: GeneDx Variant Classification Process June 2021. Collection method: clinical testing. Allele origin: germline. Affected: yes.

Ambry Genetics
Classification: Likely benign for Inborn genetic diseases. Last evaluated: 2016-06-08. Review status: criteria provided, single submitter. Criteria: Ambry Variant Classification Scheme 2023. Collection method: clinical testing. Allele origin: germline.

Eurofins Ntd Llc (ga)
Classification: Benign. Last evaluated: 2013-03-18. Review status: criteria provided, single submitter. Criteria: EGL Classification Definitions 2015. Collection method: clinical testing. Allele origin: germline. Observed: 1 variant allele, 1 heterozygote.